The following is an entry in ClinVar:

NM_000384.3(APOB):c.12355G>T (p.Ala4119Ser)

Gene: APOB (apolipoprotein B; minus strand). Cytogenetic location: 2p24.1.
Variant type: single nucleotide variant.
Coding change: c.12355G>T on transcript NM_000384.3 (MANE Select); coding-DNA position 12355, G replaced by T.
Protein change: p.Ala4119Ser; replaces alanine 4119 with serine.
Molecular consequence: missense variant.
Genome position (GRCh38, 1-based): chr2:21,003,067, C>A on the plus strand (G>T on the coding strand, the complement: APOB is on the minus strand). VCF-style: chr2-21003067-C-A. GRCh37 (hg19) VCF-style: chr2-21225939-C-A.
Other names: short protein forms A4119S.
Identifiers: ClinVar variation 944202 (VCV000944202.13), dbSNP rs764459989, ClinGen allele CA050024.

ClinVar aggregate classification (germline): Conflicting classifications of pathogenicity. Review status: criteria provided, conflicting classifications (1 of 4 stars). 2 submissions from 2 submitters: Uncertain significance (1); Likely benign (1). Last evaluated 2025-06-16.

Conditions:
Familial hypobetalipoproteinemia 1. Also called: Hypobetalipoproteinemia, normotriglyceridemic; Acanthocytosis with hypobetalipoproteinemia; APOB-Related Familial Hypobetalipoproteinemia. Identifiers: MedGen C4551990, MONDO:0014252, OMIM 615558.
Hypercholesterolemia, autosomal dominant, type B (FHCL2). Also called: Familial Hypercholesterolemia Type B; HYPERCHOLESTEROLEMIA, FAMILIAL, DUE TO LIGAND-DEFECTIVE APOLIPOPROTEIN B; Familial hypercholesterolemia 2; APOB-Related Familial Hypercholesterolemia, Autosomal Dominant; APOLIPOPROTEIN B-100, FAMILIAL DEFECTIVE; APOLIPOPROTEIN B-100, FAMILIAL LIGAND-DEFECTIVE. Identifiers: MedGen C1704417, MONDO:0007751, OMIM 144010.
Cardiovascular phenotype. Identifiers: MedGen CN230736.

Allele frequency attached by ClinVar (database versions not stated): gnomAD exomes below 0.00001; ExAC 0.00001; gnomAD 0.00001; TOPMed 0.00002.
gnomAD v4.1: 4 of 1,575,190 alleles (0.00025%); highest among the groups gnomAD compares: African/African-American, 0.0027%; no homozygotes.

Submissions (2):

Labcorp Genetics (formerly Invitae), Labcorp
Classification: Likely benign for Familial hypobetalipoproteinemia 1; Hypercholesterolemia, autosomal dominant, type B. Last evaluated: 2025-06-16. Review status: criteria provided, single submitter. Criteria: Invitae Variant Classification Sherloc (09022015). Collection method: clinical testing. Allele origin: germline.

Ambry Genetics
Classification: Uncertain significance for Cardiovascular phenotype. Last evaluated: 2024-06-15. Review status: criteria provided, single submitter. Criteria: Ambry Variant Classification Scheme 2023. Collection method: clinical testing. Allele origin: germline.
Comment: The p.A4119S variant (also known as c.12355G>T), located in coding exon 29 of the APOB gene, results from a G to T substitution at nucleotide position 12355. The alanine at codon 4119 is replaced by serine, an amino acid with similar properties. This amino acid position is conserved. In addition, this alteration is predicted to be tolerated by in silico analysis. Based on the available evidence, the clinical significance of this variant remains unclear.